The following is an entry in ClinVar:

ClinVar aggregate classification (germline): Conflicting classifications of pathogenicity. Review status: criteria provided, conflicting classifications (1 of 4 stars). 2 submissions from 2 submitters: Uncertain significance (1); Likely benign (1). Last evaluated 2025-11-03.

Conditions:
RASopathy. Also called: Noonan spectrum disorder; rasopathies. Identifiers: Orphanet 536391, MedGen C5555857, MONDO:0021060.

Allele frequency attached by ClinVar (database versions not stated): TOPMed below 0.00001; gnomAD exomes below 0.00001.
gnomAD v4.1: 1 of 1,612,128 alleles (0.000062%); highest among the groups gnomAD compares: Admixed American, 0.0017%; no homozygotes.

Submissions (2):

Labcorp Genetics (formerly Invitae), Labcorp
Classification: Likely benign for RASopathy. Last evaluated: 2025-11-03. Review status: criteria provided, single submitter. Criteria: Invitae Variant Classification Sherloc (09022015). Collection method: clinical testing. Allele origin: germline.

GeneDx
Classification: Uncertain significance. Last evaluated: 2019-11-21. Review status: criteria provided, single submitter. Criteria: GeneDx Variant Classification Process June 2021. Collection method: clinical testing. Allele origin: germline. Affected: yes.
Comment: Not observed in large population cohorts (Lek et al., 2016); Has not been previously published as pathogenic or benign to our knowledge; In-silico analysis, which includes splice predictors and evolutionary conservation, is inconclusive as to whether the variant alters gene splicing. In the absence of RNA/functional studies, the actual effect of this sequence change is unknown.

NM_002755.4(MAP2K1):c.694-5T>G

Gene: MAP2K1 (mitogen-activated protein kinase kinase 1; plus strand). Cytogenetic location: 15q22.31.
Variant type: single nucleotide variant.
Coding change: c.694-5T>G on transcript NM_002755.4 (MANE Select); 5 bases into the intron before coding-DNA position 694, T replaced by G.
Molecular consequence: intron variant.
Genome position (GRCh38, 1-based): chr15:66,484,985, T>G. VCF-style: chr15-66484985-T-G. GRCh37 (hg19) VCF-style: chr15-66777323-T-G.
Identifiers: ClinVar variation 1315919 (VCV001315919.5), dbSNP rs1054274808, ClinGen allele CA271674023.